The following is an entry in ClinVar:

ClinVar aggregate classification (germline): Likely benign. Review status: criteria provided, multiple submitters, no conflicts (2 of 4 stars). 2 submissions from 2 submitters: Likely benign (2). Last evaluated 2025-01-23.

Conditions:
Nephronophthisis 15 (NPHP15). Identifiers: Orphanet 3156, MedGen C3541853, MONDO:0013917, OMIM 614845.
CEP164-related disorder. Also called: CEP164-related condition.

Allele frequency attached by ClinVar (database versions not stated): gnomAD exomes below 0.00001 and 0.00001; gnomAD 0.00001; TOPMed 0.00001.
gnomAD v4.1: 6 of 1,614,244 alleles (0.00037%); highest among the groups gnomAD compares: Admixed American, 0.0083%; no homozygotes.

Submissions (2):

PreventionGenetics, part of Exact Sciences
Classification: Likely benign for CEP164-related condition. Last evaluated: 2025-01-23. Review status: criteria provided, single submitter. Criteria: ACMG Guidelines, 2015. Collection method: clinical testing. Allele origin: germline.
Comment: This variant is classified as likely benign based on ACMG/AMP sequence variant interpretation guidelines (Richards et al. 2015 PMID: 25741868, with internal and published modifications).

Labcorp Genetics (formerly Invitae), Labcorp
Classification: Likely benign for Nephronophthisis 15. Last evaluated: 2023-12-22. Review status: criteria provided, single submitter. Criteria: Invitae Variant Classification Sherloc (09022015). Collection method: clinical testing. Allele origin: germline.

NM_014956.5(CEP164):c.954G>A (p.Lys318=)

Gene: CEP164 (centrosomal protein 164; plus strand). Cytogenetic location: 11q23.3.
Variant type: single nucleotide variant.
Coding change: c.954G>A on transcript NM_014956.5 (MANE Select); coding-DNA position 954, G replaced by A.
Protein change: p.Lys318=; no amino-acid change (lysine 318 retained).
Molecular consequence: synonymous variant.
Genome position (GRCh38, 1-based): chr11:117,371,268, G>A. VCF-style: chr11-117371268-G-A. GRCh37 (hg19) VCF-style: chr11-117241984-G-A.
Other names: c.954G>A (NM_014956.4); c.954G>A, p.Lys318= (NM_001271933.2).
Identifiers: ClinVar variation 1153282 (VCV001153282.10), dbSNP rs1311734878, ClinGen allele CA477051232.